The following is an entry in ClinVar:

ClinVar aggregate classification (germline): Likely benign (1 of 4 stars; one submission).

Allele frequency attached by ClinVar (database versions not stated): TOPMed 0.00007; ExAC 0.00008; gnomAD 0.00010; 1000 Genomes Project 30x 0.00016; 1000 Genomes Project 0.00020.

Submission:

CeGaT Center for Human Genetics Tuebingen
Classification: Likely benign. Last evaluated: 2023-07-01. Review status: criteria provided, single submitter. Criteria: CeGaT Center For Human Genetics Tuebingen Variant Classification Criteria Version 2. Collection method: clinical testing. Allele origin: germline. Affected: yes. Observed: 2 variant alleles.
Comment: FBXO31: BP4, BP7

NM_024735.5(FBXO31):c.1164G>A (p.Ala388=)

Gene: FBXO31 (F-box protein 31; minus strand). Cytogenetic location: 16q24.2.
Variant type: single nucleotide variant.
Coding change: c.1164G>A on transcript NM_024735.5 (MANE Select); coding-DNA position 1164, G replaced by A.
Protein change: p.Ala388=; no amino-acid change (alanine 388 retained).
Molecular consequence: synonymous variant.
Genome position (GRCh38, 1-based): chr16:87,334,119, C>T on the plus strand (G>A on the coding strand, the complement: FBXO31 is on the minus strand). VCF-style: chr16-87334119-C-T. GRCh37 (hg19) VCF-style: chr16-87367725-C-T.
Other names: c.648G>A, p.Ala216= (NM_001282683.2).
Identifiers: ClinVar variation 2646953 (VCV002646953.24), dbSNP rs536772322, ClinGen allele CA8218979.
Genomic context (GRCh38, chr16:87,334,119, plus strand): 5'-CCTGGGCTGGGCAGGGCTTGGCTGGGACTCCCGGGGGCCCTGCCGGCCACGACCCTCGCC[C>T]GCCTCGTGCCCGCCTTCCTGCTGCTCCTGGCGCACCCTCTCGCGCACCTCCAGGACGATG-3'
Protein context (NP_079011.3, residues 378-398): RQEQQEGGHE[Ala388=]GEGRGRQGPR